The following is an entry in ClinVar:

ClinVar aggregate classification (germline): Likely pathogenic (1 of 4 stars; one submission).

Conditions:
Primary ciliary dyskinesia. Also called: Ciliary dyskinesia. Identifiers: Orphanet 244, MedGen C0008780, MONDO:0016575, HP:0012265.

Submission:

Natera, Inc.
Classification: Likely pathogenic for Primary ciliary dyskinesia. Last evaluated: 2025-09-09. Review status: criteria provided, single submitter. Criteria: Natera Variant Classification Schema (03/2026). Collection method: clinical testing. Allele origin: germline.
Comment: The c.1648G>T variant in DNAH5 is a nonsense variant predicted to introduce a stop codon at amino acid 550. This variant is expected to result in nonsense mediated decay, truncation, or a dysfunctional protein product. This variant is rare in the general population with a frequency below the threshold expected for the associated phenotype(s). Given the available evidence, this variant is classified as Likely Pathogenic.

NM_001369.3(DNAH5):c.1648G>T (p.Glu550Ter)

Gene: DNAH5 (dynein axonemal heavy chain 5; minus strand). Cytogenetic location: 5p15.2.
Variant type: single nucleotide variant.
Coding change: c.1648G>T on transcript NM_001369.3 (MANE Select); coding-DNA position 1648, G replaced by T.
Protein change: p.Glu550Ter; replaces glutamic acid 550 with a stop codon.
Molecular consequence: nonsense.
Genome position (GRCh38, 1-based): chr5:13,902,135, C>A on the plus strand (G>T on the coding strand, the complement: DNAH5 is on the minus strand). VCF-style: chr5-13902135-C-A. GRCh37 (hg19) VCF-style: chr5-13902244-C-A.
Other names: short protein forms E550*.
Identifiers: ClinVar variation 4814869 (VCV004814869.1).